The following is an entry in ClinVar:

NM_001369.3(DNAH5):c.438+6G>C

Gene: DNAH5 (dynein axonemal heavy chain 5; minus strand). Cytogenetic location: 5p15.2.
Variant type: single nucleotide variant.
Coding change: c.438+6G>C on transcript NM_001369.3 (MANE Select); 6 bases into the intron after coding-DNA position 438, G replaced by C.
Molecular consequence: intron variant.
Genome position (GRCh38, 1-based): chr5:13,923,274, C>G on the plus strand (G>C on the coding strand, the complement: DNAH5 is on the minus strand). VCF-style: chr5-13923274-C-G. GRCh37 (hg19) VCF-style: chr5-13923383-C-G.
Identifiers: ClinVar variation 2035778 (VCV002035778.4), dbSNP rs2151997008, ClinGen allele CA2580072129.
Genomic context (GRCh38, chr5:13,923,274, plus strand): 5'-GAATATTTGTGTGCAAGTTGTGTGTTTTTTGGTAATTCAGAGTAAACAATGGCTCTTGCC[C>G]CTTACCTGGTGGATGTTGTCAGGGGTGATGGCTTTGGAAGGGTCAGTCCTGATGAAGAAC-3'

ClinVar aggregate classification (germline): Uncertain significance (1 of 4 stars; one submission).

Conditions:
Primary ciliary dyskinesia. Also called: Ciliary dyskinesia. Identifiers: Orphanet 244, MedGen C0008780, MONDO:0016575, HP:0012265.

Submission:

Labcorp Genetics (formerly Invitae), Labcorp
Classification: Uncertain significance for Primary ciliary dyskinesia. Last evaluated: 2024-10-23. Review status: criteria provided, single submitter. Criteria: Invitae Variant Classification Sherloc (09022015). Collection method: clinical testing. Allele origin: germline.
Comment: This sequence change falls in intron 4 of the DNAH5 gene. It does not directly change the encoded amino acid sequence of the DNAH5 protein. It affects a nucleotide within the consensus splice site. This variant is not present in population databases (gnomAD no frequency). This variant has not been reported in the literature in individuals affected with DNAH5-related conditions. ClinVar contains an entry for this variant (Variation ID: 2035778). Variants that disrupt the consensus splice site are a relatively common cause of aberrant splicing (PMID: 17576681, 9536098). Algorithms developed to predict the effect of sequence changes on RNA splicing suggest that this variant is not likely to affect RNA splicing. In summary, the available evidence is currently insufficient to determine the role of this variant in disease. Therefore, it has been classified as a Variant of Uncertain Significance.

Literature cited by the submitters: PubMed 17576681; PubMed 9536098.